The following is an entry in ClinVar:

NM_000368.5(TSC1):c.911A>G (p.Tyr304Cys)

Gene: TSC1 (TSC complex subunit 1; minus strand). Cytogenetic location: 9q34.13.
Variant type: single nucleotide variant.
Coding change: c.911A>G on transcript NM_000368.5 (MANE Select); coding-DNA position 911, A replaced by G.
Protein change: p.Tyr304Cys; replaces tyrosine 304 with cysteine.
Molecular consequence: missense variant.
Genome position (GRCh38, 1-based): chr9:132,912,284, T>C on the plus strand (A>G on the coding strand, the complement: TSC1 is on the minus strand). VCF-style: chr9-132912284-T-C. GRCh37 (hg19) VCF-style: chr9-135787671-T-C.
Other names: c.911A>G, p.Tyr304Cys (NM_001162426.2, NM_001406592.1, NM_001406593.1 and 16 more transcripts); c.758A>G, p.Tyr253Cys (NM_001162427.2, NM_001406612.1, NM_001406613.1 and 2 more transcripts); c.548A>G, p.Tyr183Cys (NM_001362177.2, NM_001406614.1, NM_001406615.1 and 10 more transcripts); c.-41A>G (NM_001406626.1, NM_001406627.1, NM_001406628.1); c.-183A>G (NM_001406629.1, NM_001406630.1); short protein forms Y183C, Y253C, Y304C.
Identifiers: ClinVar variation 2153818 (VCV002153818.5), dbSNP rs2538886094, ClinGen allele CA375368970.

ClinVar aggregate classification (germline): Uncertain significance. Review status: criteria provided, multiple submitters, no conflicts (2 of 4 stars). 2 submissions from 2 submitters: Uncertain significance (2). Last evaluated 2024-10-01.

Conditions:
Tuberous sclerosis 1 (TSC1). Identifiers: Orphanet 805, MedGen C1854465, MONDO:0008612, OMIM 191100.
Hereditary cancer-predisposing syndrome. Also called: Neoplastic Syndromes, Hereditary; Hereditary Cancer Syndrome; Hereditary neoplastic syndrome; Tumor predisposition. Identifiers: Orphanet 140162, MedGen C0027672, MeSH D009386, MONDO:0015356.

Allele frequency attached by ClinVar (database versions not stated): gnomAD exomes below 0.00001.
gnomAD v4.1: 1 of 1,614,152 alleles (0.000062%); highest among the groups gnomAD compares: Non-Finnish European, 0.000085%; no homozygotes.

Submissions (2):

Labcorp Genetics (formerly Invitae), Labcorp
Classification: Uncertain significance for Tuberous sclerosis 1. Last evaluated: 2024-10-01. Review status: criteria provided, single submitter. Criteria: Invitae Variant Classification Sherloc (09022015). Collection method: clinical testing. Allele origin: germline.
Comment: This sequence change replaces tyrosine, which is neutral and polar, with cysteine, which is neutral and slightly polar, at codon 304 of the TSC1 protein (p.Tyr304Cys). This variant is not present in population databases (gnomAD no frequency). This variant has not been reported in the literature in individuals affected with TSC1-related conditions. ClinVar contains an entry for this variant (Variation ID: 2153818). An algorithm developed to predict the effect of missense changes on protein structure and function outputs the following: PolyPhen-2: "Benign". The cysteine amino acid residue is found in multiple mammalian species, which suggests that this missense change does not adversely affect protein function. Algorithms developed to predict the effect of sequence changes on RNA splicing suggest that this variant may create or strengthen a splice site. In summary, the available evidence is currently insufficient to determine the role of this variant in disease. Therefore, it has been classified as a Variant of Uncertain Significance.

Ambry Genetics
Classification: Uncertain significance for Hereditary cancer-predisposing syndrome. Last evaluated: 2024-06-21. Review status: criteria provided, single submitter. Criteria: Ambry Variant Classification Scheme 2023. Collection method: clinical testing. Allele origin: germline.
Comment: The p.Y304C variant (also known as c.911A>G), located in coding exon 7 of the TSC1 gene, results from an A to G substitution at nucleotide position 911. The tyrosine at codon 304 is replaced by cysteine, an amino acid with highly dissimilar properties. This amino acid position is conserved. In addition, the in silico prediction for this alteration is inconclusive. Based on the available evidence, the clinical significance of this variant remains unclear.